The following is an entry in ClinVar:

ClinVar aggregate classification (germline): Uncertain significance (1 of 4 stars; one submission).

Submission:

Labcorp Genetics (formerly Invitae), Labcorp
Classification: Uncertain significance. Last evaluated: 2022-05-10. Review status: criteria provided, single submitter. Criteria: Invitae Variant Classification Sherloc (09022015). Collection method: clinical testing. Allele origin: germline.
Comment: In summary, the available evidence is currently insufficient to determine the role of this variant in disease. Therefore, it has been classified as a Variant of Uncertain Significance. Variants that disrupt the consensus splice site are a relatively common cause of aberrant splicing (PMID: 17576681, 9536098). Algorithms developed to predict the effect of sequence changes on RNA splicing suggest that this variant may disrupt the consensus splice site. Algorithms developed to predict the effect of missense changes on protein structure and function (SIFT, PolyPhen-2, Align-GVGD) all suggest that this variant is likely to be tolerated. This variant has not been reported in the literature in individuals affected with IMPG2-related conditions. This variant is not present in population databases (gnomAD no frequency). This sequence change replaces serine, which is neutral and polar, with asparagine, which is neutral and polar, at codon 178 of the IMPG2 protein (p.Ser178Asn). This variant also falls at the last nucleotide of exon 4, which is part of the consensus splice site for this exon.

Literature cited by the submitters: PubMed 17576681; PubMed 9536098.

NM_016247.4(IMPG2):c.533G>A (p.Ser178Asn)

Gene: IMPG2 (interphotoreceptor matrix proteoglycan 2; minus strand). Cytogenetic location: 3q12.3.
Variant type: single nucleotide variant.
Coding change: c.533G>A on transcript NM_016247.4 (MANE Select); coding-DNA position 533, G replaced by A.
Protein change: p.Ser178Asn; replaces serine 178 with asparagine.
Molecular consequence: missense variant.
Genome position (GRCh38, 1-based): chr3:101,291,479, C>T on the plus strand (G>A on the coding strand, the complement: IMPG2 is on the minus strand). VCF-style: chr3-101291479-C-T. GRCh37 (hg19) VCF-style: chr3-101010323-C-T.
Other names: short protein forms S178N.
Identifiers: ClinVar variation 1992576 (VCV001992576.4), dbSNP rs2509022422, ClinGen allele CA353846691.
Genomic context (GRCh38, chr3:101,291,479, plus strand): 5'-AATTAGGCTATGACACATCTGTGTTGCCAAACATGAATTTTGGGAAAAAGAGACACTCAC[C>T]TGCTTACAGTTTCCTTTGCATAAGTCAGTTTCTAAGGAAAACAAAGATATAAAAATGACT-3'
Protein context (NP_057331.2, residues 168-188): KLTYAKETVS[Ser178Asn]SELSSPVPVG